The following is an entry in ClinVar:

NM_030665.4(RAI1):c.265C>G (p.Gln89Glu)

Gene: RAI1 (retinoic acid induced 1; plus strand). Cytogenetic location: 17p11.2.
Variant type: single nucleotide variant.
Coding change: c.265C>G on transcript NM_030665.4 (MANE Select); coding-DNA position 265, C replaced by G.
Protein change: p.Gln89Glu; replaces glutamine 89 with glutamic acid.
Molecular consequence: missense variant.
Genome position (GRCh38, 1-based): chr17:17,793,213, C>G. VCF-style: chr17-17793213-C-G. GRCh37 (hg19) VCF-style: chr17-17696527-C-G.
Other names: c.265C>G (NM_030665.3); short protein forms Q89E.
Identifiers: ClinVar variation 1497004 (VCV001497004.10), dbSNP rs2032087603, ClinGen allele CA398545092.

ClinVar aggregate classification (germline): Uncertain significance. Review status: criteria provided, multiple submitters, no conflicts (2 of 4 stars). 3 submissions from 3 submitters: Uncertain significance (3). Last evaluated 2025-08-15.

Conditions:
Smith-Magenis syndrome (SMS). Also called: CHROMOSOME 17p11.2 DELETION SYNDROME. Identifiers: Orphanet 819, MedGen C0795864, MONDO:0008434, OMIM 182290.
RAI1-related disorder. Also called: RAI1-related condition.

Allele frequency attached by ClinVar (database versions not stated): gnomAD exomes below 0.00001.
gnomAD v4.1: 3 of 1,612,288 alleles (0.00019%); highest among the groups gnomAD compares: Middle Eastern, 0.017%; no homozygotes.

Submissions (3):

PreventionGenetics, part of Exact Sciences
Classification: Uncertain significance for RAI1-related condition. Last evaluated: 2025-08-15. Review status: criteria provided, single submitter. Criteria: ACMG Guidelines, 2015. Collection method: clinical testing. Allele origin: germline.
Comment: The RAI1 c.265C>G variant is predicted to result in the amino acid substitution p.Gln89Glu. To our knowledge, this variant has not been reported in the literature or in a large population database (gnomAD), indicating this variant is rare. At this time, the clinical significance of this variant is uncertain due to the absence of conclusive functional and genetic evidence.

Labcorp Genetics (formerly Invitae), Labcorp
Classification: Uncertain significance. Last evaluated: 2024-05-31. Review status: criteria provided, single submitter. Criteria: Invitae Variant Classification Sherloc (09022015). Collection method: clinical testing. Allele origin: germline.
Comment: This sequence change replaces glutamine, which is neutral and polar, with glutamic acid, which is acidic and polar, at codon 89 of the RAI1 protein (p.Gln89Glu). This variant is not present in population databases (gnomAD no frequency). This variant has not been reported in the literature in individuals affected with RAI1-related conditions. ClinVar contains an entry for this variant (Variation ID: 1497004). Advanced modeling of protein sequence and biophysical properties (such as structural, functional, and spatial information, amino acid conservation, physicochemical variation, residue mobility, and thermodynamic stability) has been performed at Invitae for this missense variant, however the output from this modeling did not meet the statistical confidence thresholds required to predict the impact of this variant on RAI1 protein function. In summary, the available evidence is currently insufficient to determine the role of this variant in disease. Therefore, it has been classified as a Variant of Uncertain Significance.

Fulgent Genetics
Classification: Uncertain significance for Smith-Magenis syndrome. Last evaluated: 2024-03-18. Review status: criteria provided, single submitter. Criteria: ACMG Guidelines, 2015. Collection method: clinical testing. Allele origin: germline.